The following is an entry in ClinVar:

NM_145167.3(PIGM):c.592C>T (p.Arg198Cys)

Gene: PIGM (phosphatidylinositol glycan anchor biosynthesis class M; minus strand). Cytogenetic location: 1q23.2.
Variant type: single nucleotide variant.
Coding change: c.592C>T on transcript NM_145167.3 (MANE Select); coding-DNA position 592, C replaced by T.
Protein change: p.Arg198Cys; replaces arginine 198 with cysteine.
Molecular consequence: missense variant.
Genome position (GRCh38, 1-based): chr1:160,031,148, G>A on the plus strand (C>T on the coding strand, the complement: PIGM is on the minus strand). VCF-style: chr1-160031148-G-A. GRCh37 (hg19) VCF-style: chr1-160000938-G-A.
Other names: short protein forms R198C.
Identifiers: ClinVar variation 3658501 (VCV003658501.2).

ClinVar aggregate classification (germline): Uncertain significance (1 of 4 stars; one submission).

Conditions:
Hypercoagulability syndrome due to glycosylphosphatidylinositol deficiency (GPIBD1). Also called: GLYCOSYLPHOSPHATIDYLINOSITOL BIOSYNTHESIS DEFECT 1. Identifiers: Orphanet 83639, MedGen C5201145, MONDO:0012465, OMIM 610293.

Submission:

Labcorp Genetics (formerly Invitae), Labcorp
Classification: Uncertain significance for Hypercoagulability syndrome due to glycosylphosphatidylinositol deficiency. Last evaluated: 2024-08-06. Review status: criteria provided, single submitter. Criteria: Invitae Variant Classification Sherloc (09022015). Collection method: clinical testing. Allele origin: germline.
Comment: This sequence change replaces arginine, which is basic and polar, with cysteine, which is neutral and slightly polar, at codon 198 of the PIGM protein (p.Arg198Cys). This variant is not present in population databases (gnomAD no frequency). This variant has not been reported in the literature in individuals affected with PIGM-related conditions. Advanced modeling of protein sequence and biophysical properties (such as structural, functional, and spatial information, amino acid conservation, physicochemical variation, residue mobility, and thermodynamic stability) performed at Invitae indicates that this missense variant is not expected to disrupt PIGM protein function with a negative predictive value of 80%. In summary, the available evidence is currently insufficient to determine the role of this variant in disease. Therefore, it has been classified as a Variant of Uncertain Significance.